The following is an entry in ClinVar:

ClinVar aggregate classification (germline): Uncertain significance (1 of 4 stars; one submission).

Allele frequency attached by ClinVar (database versions not stated): gnomAD exomes below 0.00001 and 0.00001; TOPMed 0.00001; gnomAD 0.00002.
gnomAD v4.1: 21 of 1,602,816 alleles (0.0013%); highest among the groups gnomAD compares: Non-Finnish European, 0.0018%; no homozygotes.

Submission:

Labcorp Genetics (formerly Invitae), Labcorp
Classification: Uncertain significance. Last evaluated: 2021-05-10. Review status: criteria provided, single submitter. Criteria: Invitae Variant Classification Sherloc (09022015). Collection method: clinical testing. Allele origin: germline.
Comment: In summary, the available evidence is currently insufficient to determine the role of this variant in disease. Therefore, it has been classified as a Variant of Uncertain Significance. Algorithms developed to predict the effect of missense changes on protein structure and function are either unavailable or do not agree on the potential impact of this missense change (SIFT: "Deleterious"; PolyPhen-2: "Probably Damaging"; Align-GVGD: "Class C0"). This variant has not been reported in the literature in individuals with SNX10-related conditions. This variant is not present in population databases (ExAC no frequency). This sequence change replaces serine with proline at codon 177 of the SNX10 protein (p.Ser177Pro). The serine residue is moderately conserved and there is a moderate physicochemical difference between serine and proline.

NM_013322.3(SNX10):c.529T>C (p.Ser177Pro)

Genes: SNX10 (sorting nexin 10; plus strand), SNX10-AS1 (SNX10 antisense RNA 1; minus strand). Cytogenetic location: 7p15.2.
Variant type: single nucleotide variant.
Coding change: c.529T>C on transcript NM_013322.3 (MANE Select); coding-DNA position 529, T replaced by C.
Protein change: p.Ser177Pro; replaces serine 177 with proline.
Molecular consequence: missense variant. On other transcripts: non-coding transcript variant (3).
Genome position (GRCh38, 1-based): chr7:26,372,495, T>C. VCF-style: chr7-26372495-T-C. GRCh37 (hg19) VCF-style: chr7-26412115-T-C.
Other names: c.529T>C, p.Ser177Pro (NM_001199835.1, NM_001318199.3); c.520T>C, p.Ser174Pro (NM_001199837.3); c.277T>C, p.Ser93Pro (NM_001199838.2); c.607T>C, p.Ser203Pro (NM_001318198.1, NM_001362753.1, NM_001362754.1); short protein forms S203P, S93P, S174P, S177P.
Identifiers: ClinVar variation 1464340 (VCV001464340.6), dbSNP rs994641022, ClinGen allele CA156150878.